The following is an entry in ClinVar:

ClinVar aggregate classification (germline): Benign. Review status: criteria provided, multiple submitters, no conflicts (2 of 4 stars). 26 submissions from 25 submitters: Benign (17). 9 of the submissions do not count toward it. Last evaluated 2026-02-04.

Conditions:
Li-Fraumeni syndrome (LFS). Also called: Sarcoma family syndrome of Li and Fraumeni. Identifiers: Orphanet 524, MedGen C0085390, MONDO:0018875.
Familial pancreatic carcinoma. Identifiers: Orphanet 1333, MedGen C2931038, MONDO:0015278, OMIM 260350.
Familial melanoma. Also called: Hereditary melanoma; Hereditary cutaneous melanoma. Identifiers: Orphanet 618, MedGen C1512419, MONDO:0018961.
Hereditary cancer-predisposing syndrome. Also called: Neoplastic Syndromes, Hereditary; Tumor predisposition; Hereditary Cancer Syndrome; Hereditary neoplastic syndrome. Identifiers: Orphanet 140162, MedGen C0027672, MeSH D009386, MONDO:0015356.
Melanoma, cutaneous malignant, susceptibility to, 2 (CMM2). Also called: CDKN2A-Related Cutaneous Malignant Melanoma; Cutaneous malignant melanoma 2. Identifiers: Orphanet 618, MedGen C1835044, MONDO:0007964, OMIM 155601.
Melanoma-pancreatic cancer syndrome. Identifiers: Orphanet 404560, MedGen C1838547, MONDO:0011713, OMIM 606719. Disease mechanism: loss of function.

Allele frequency attached by ClinVar (database versions not stated): gnomAD 0.02007 and 0.01951; gnomAD exomes 0.02089 and 0.02498; ExAC 0.02278; 1000 Genomes Project 0.00699; 1000 Genomes Project 30x 0.00843; TOPMed 0.02021; ESP Exome Variant Server 0.02253.
gnomAD v4.1: 39,384 of 1,612,214 alleles (2.4%); highest among the groups gnomAD compares: Middle Eastern, 3.1%; 600 homozygotes.

Submissions (26):

Labcorp Genetics (formerly Invitae), Labcorp
Classification: Benign for Familial melanoma. Last evaluated: 2026-02-04. Review status: criteria provided, single submitter. Criteria: Invitae Variant Classification Sherloc (09022015). Collection method: clinical testing. Allele origin: germline.

ARUP Laboratories, Molecular Genetics and Genomics, ARUP Laboratories
Classification: Benign. Last evaluated: 2025-07-15. Review status: criteria provided, single submitter. Criteria: ARUP Molecular Germline Variant Investigation Process 2024. Collection method: clinical testing. Allele origin: germline.

Center for Genomic Medicine, Rigshospitalet, Copenhagen University Hospital
Classification: Benign. Last evaluated: 2025-03-04. Review status: criteria provided, single submitter. Criteria: ACMG Guidelines, 2015. Collection method: clinical testing. Allele origin: germline.

KCCC/NGS Laboratory, Kuwait Cancer Control Center
Classification: Benign for Melanoma, cutaneous malignant, susceptibility to, 2. Last evaluated: 2025-02-01. Review status: criteria provided, single submitter. Criteria: ACMG Guidelines, 2015. Collection method: clinical testing. Allele origin: germline. Affected: no.

Blueprint Genetics
Classification: Benign. Last evaluated: 2024-11-27. Review status: criteria provided, single submitter. Criteria: ACMG Guidelines, 2015. Collection method: clinical testing. Allele origin: germline.

Color Diagnostics, LLC DBA Color Health
Classification: Benign for Hereditary cancer-predisposing syndrome. Last evaluated: 2024-09-19. Review status: criteria provided, single submitter. Criteria: ACMG Guidelines, 2015. Collection method: clinical testing. Allele origin: germline.

Mayo Clinic Laboratories, Mayo Clinic
Classification: Benign. Last evaluated: 2023-10-30. Review status: criteria provided, single submitter. Criteria: ACMG Guidelines, 2015. Collection method: clinical testing. Allele origin: germline. Observed: 24 variant alleles.
Comment: BS1, BS3

KCCC/NGS Laboratory, Kuwait Cancer Control Center
Classification: Benign for Melanoma-pancreatic cancer syndrome. Last evaluated: 2023-07-07. Review status: criteria provided, single submitter. Criteria: ACMG Guidelines, 2015. Collection method: clinical testing. Allele origin: germline. Affected: yes.

Myriad Genetics, Inc.
Classification: Benign for Melanoma-pancreatic cancer syndrome. Last evaluated: 2023-04-20. Review status: criteria provided, single submitter. Criteria: Myriad Autosomal Dominant, Autosomal Recessive and X-Linked Classification Criteria (2023). Collection method: clinical testing. Allele origin: unknown.
Comment: This variant is considered benign. This variant has been observed at a population frequency that is significantly greater than expected given the associated disease prevalence and penetrance.

Department of Pathology and Laboratory Medicine, Sinai Health System
Classification: Benign for Li-Fraumeni syndrome; Familial pancreatic carcinoma. Last evaluated: 2021-05-14. Review status: criteria provided, single submitter. Criteria: ACMG Guidelines, 2015. Collection method: clinical testing. Allele origin: germline. Affected: yes.

Sema4
Classification: Benign for Hereditary cancer-predisposing syndrome. Last evaluated: 2020-05-10. Review status: criteria provided, single submitter. Criteria: Sema4 Curation Guidelines. Collection method: curation. Allele origin: germline.

Quest Diagnostics Nichols Institute San Juan Capistrano
Classification: Benign. Last evaluated: 2020-04-17. Review status: criteria provided, single submitter. Criteria: Quest Diagnostics criteria. Collection method: clinical testing. Allele origin: unknown.

Ambry Genetics
Classification: Benign for Hereditary cancer-predisposing syndrome. Last evaluated: 2014-11-25. Review status: criteria provided, single submitter. Criteria: Ambry Variant Classification Scheme 2023. Collection method: clinical testing. Allele origin: germline.

GeneDx
Classification: Benign. Last evaluated: 2013-09-11. Review status: criteria provided, single submitter. Criteria: GeneDx Variant Classification (06012015). Collection method: clinical testing. Allele origin: germline. Affected: yes.
Comment: This variant is considered likely benign or benign based on one or more of the following criteria: it is a conservative change, it occurs at a poorly conserved position in the protein, it is predicted to be benign by multiple in silico algorithms, and/or has population frequency not consistent with disease.

Eurofins Ntd Llc (ga)
Classification: Benign. Last evaluated: 2012-11-29. Review status: criteria provided, single submitter. Criteria: EGL Classification Definitions 2015. Collection method: clinical testing. Allele origin: germline. Observed: 8 variant alleles, 8 heterozygotes.

Breakthrough Genomics
Classification: Benign. Review status: criteria provided, single submitter. Criteria: ACMG Guidelines, 2015. Collection method: not provided. Allele origin: germline. Inheritance: Autosomal dominant inheritance. Affected: yes.

PreventionGenetics, part of Exact Sciences
Classification: Benign. Review status: criteria provided, single submitter. Criteria: ACMG Guidelines, 2015. Collection method: clinical testing. Allele origin: germline.

True Health Diagnostics
Classification: Benign for Hereditary cancer-predisposing syndrome. Last evaluated: 2018-02-20. Review status: no assertion criteria provided. Collection method: clinical testing. Allele origin: germline. Not counted in ClinVar's aggregate classification.

Counsyl
Classification: Benign for Melanoma-pancreatic cancer syndrome. Last evaluated: 2016-06-13. Review status: no assertion criteria provided. Collection method: clinical testing. Allele origin: unknown. Not counted in ClinVar's aggregate classification.

ITMI
No classification provided. Condition: AllHighlyPenetrant. Last evaluated: 2013-09-19. Review status: no classification provided. Collection method: reference population. Allele origin: germline. Not counted in ClinVar's aggregate classification.
Comment: Please see associated publication for description of ethnicities

Biesecker Lab/Clinical Genomics Section, National Institutes of Health
Classification: Benign. Last evaluated: 2012-07-13. Review status: no assertion criteria provided. Collection method: research. Allele origin: germline. Affected: no. Observed: 31 variant alleles. Study: ClinSeq. Not counted in ClinVar's aggregate classification.
ClinVar note: Converted during submission from no known pathogenicity to Benign.

Clinical Genetics DNA and cytogenetics Diagnostics Lab, Erasmus MC, Erasmus Medical Center
Classification: Benign. Review status: no assertion criteria provided. Collection method: clinical testing. Allele origin: germline. Affected: yes. Study: VKGL Data-share Consensus. Not counted in ClinVar's aggregate classification.

Clinical Genetics Laboratory, Department of Pathology, Netherlands Cancer Institute
Classification: Benign. Review status: no assertion criteria provided. Collection method: clinical testing. Allele origin: germline. Affected: yes. Study: VKGL Data-share Consensus. Not counted in ClinVar's aggregate classification.

Genome Diagnostics Laboratory, University Medical Center Utrecht
Classification: Likely benign. Review status: no assertion criteria provided. Collection method: clinical testing. Allele origin: germline. Affected: yes. Study: VKGL Data-share Consensus. Not counted in ClinVar's aggregate classification.

Joint Genome Diagnostic Labs from Nijmegen and Maastricht, Radboudumc and MUMC+
Classification: Benign. Review status: no assertion criteria provided. Collection method: clinical testing. Allele origin: germline. Affected: yes. Study: VKGL Data-share Consensus. Not counted in ClinVar's aggregate classification.

Laboratory of Diagnostic Genome Analysis, Leiden University Medical Center (LUMC)
Classification: Benign. Review status: no assertion criteria provided. Collection method: clinical testing. Allele origin: germline. Affected: yes. Study: VKGL Data-share Consensus. Not counted in ClinVar's aggregate classification.

Literature cited by the submitters: PubMed 16614725 (cited by Department of Pathology and Laboratory Medicine, Sinai Health System and Quest Diagnostics Nichols Institute San Juan Capistrano); PubMed 21462282 (cited by Quest Diagnostics Nichols Institute San Juan Capistrano and Counsyl); PubMed 8603820 (cited by Quest Diagnostics Nichols Institute San Juan Capistrano and Counsyl); PubMed 20340136 (cited by Quest Diagnostics Nichols Institute San Juan Capistrano); PubMed 15705881 (cited by Counsyl); PubMed 24728327 (cited by ITMI).

NM_000077.5(CDKN2A):c.442G>A (p.Ala148Thr)

Gene: CDKN2A (cyclin dependent kinase inhibitor 2A; minus strand). Cytogenetic location: 9p21.3.
Variant type: single nucleotide variant.
Coding change: c.442G>A on transcript NM_000077.5; coding-DNA position 442, G replaced by A.
Protein change: p.Ala148Thr; replaces alanine 148 with threonine.
Molecular consequence: 3 prime UTR variant (on NM_058195.4). On other transcripts: missense variant (3).
Genome position (GRCh38, 1-based): chr9:21,970,917, C>T on the plus strand (G>A on the coding strand, the complement: CDKN2A is on the minus strand). VCF-style: chr9-21970917-C-T. GRCh37 (hg19) VCF-style: chr9-21970916-C-T.
Other names: p.A148T:GCG>ACG; c.*86G>A (NM_058195.4); c.*365G>A (NM_058197.5); c.442G>A, p.Ala148Thr (NM_001195132.2, NM_000077.6); c.289G>A, p.Ala97Thr (NM_001363763.2); short protein forms A148T, A97T.
Identifiers: ClinVar variation 41580 (VCV000041580.53), dbSNP rs3731249, ClinGen allele CA145730.